The following is an entry in ClinVar:

ClinVar aggregate classification (germline): Uncertain significance (1 of 4 stars; one submission).

Submission:

Labcorp Genetics (formerly Invitae), Labcorp
Classification: Uncertain significance. Last evaluated: 2021-07-06. Review status: criteria provided, single submitter. Criteria: Invitae Variant Classification Sherloc (09022015). Collection method: clinical testing. Allele origin: germline.
Comment: This sequence change replaces leucine with serine at codon 297 of the HNF4A protein (p.Leu297Ser). The leucine residue is highly conserved and there is a large physicochemical difference between leucine and serine. This variant is not present in population databases (ExAC no frequency). This variant has been observed in individuals with maturity onset diabetes of the young (PMID: 27810688; Invitae). This variant is also known as p.Leu319Pro. Algorithms developed to predict the effect of missense changes on protein structure and function (SIFT, PolyPhen-2, Align-GVGD) all suggest that this variant is likely to be disruptive. In summary, the available evidence is currently insufficient to determine the role of this variant in disease. Therefore, it has been classified as a Variant of Uncertain Significance.

Literature cited by the submitters: PubMed 27810688.

NM_175914.5(HNF4A):c.890T>C (p.Leu297Ser)

Gene: HNF4A (hepatocyte nuclear factor 4 alpha; plus strand). Cytogenetic location: 20q13.12.
Variant type: single nucleotide variant.
Coding change: c.890T>C on transcript NM_175914.5 (MANE Select); coding-DNA position 890, T replaced by C.
Protein change: p.Leu297Ser; replaces leucine 297 with serine.
Molecular consequence: missense variant.
Genome position (GRCh38, 1-based): chr20:44,424,081, T>C. VCF-style: chr20-44424081-T-C. GRCh37 (hg19) VCF-style: chr20-43052721-T-C.
Other names: c.956T>C, p.Leu319Ser (NM_000457.6, NM_178849.3, NM_178850.3); c.890T>C, p.Leu297Ser (NM_001030003.3, NM_001030004.3); c.935T>C, p.Leu312Ser (NM_001258355.2); c.881T>C, p.Leu294Ser (NM_001287182.2, NM_001287183.2, NM_001287184.2); short protein forms L294S, L319S, L297S, L312S.
Identifiers: ClinVar variation 1503961 (VCV001503961.8), dbSNP rs2146468038, ClinGen allele CA409108117.
Genomic context (GRCh38, chr20:44,424,081, plus strand): 5'-CCAAGGGGCTGAGCGATCCAGGGAAGATCAAGCGGCTGCGTTCCCAGGTGCAGGTGAGCT[T>C]GGAGGACTACATCAACGACCGCCAGTATGACTCGCGTGGCCGCTTTGGAGAGCTGCTGCT-3'
Protein context (NP_787110.2, residues 287-307): KRLRSQVQVS[Leu297Ser]EDYINDRQYD